The following is an entry in ClinVar:

NM_005055.5(RAPSN):c.193-243G>A

Gene: RAPSN (receptor associated protein of the synapse; minus strand). Cytogenetic location: 11p11.2.
Variant type: single nucleotide variant.
Coding change: c.193-243G>A on transcript NM_005055.5 (MANE Select); 243 bases into the intron before coding-DNA position 193, G replaced by A.
Molecular consequence: intron variant.
Genome position (GRCh38, 1-based): chr11:47,448,393, C>T on the plus strand (G>A on the coding strand, the complement: RAPSN is on the minus strand). VCF-style: chr11-47448393-C-T. GRCh37 (hg19) VCF-style: chr11-47469945-C-T.
Other names: c.193-243G>A (NM_032645.5).
Identifiers: ClinVar variation 679646 (VCV000679646.1), dbSNP rs57830455, ClinGen allele CA221722773.
Genomic context (GRCh38, chr11:47,448,393, plus strand): 5'-CCTACACCCCAGCCTCACCTCCCAAGCTCAGGCTTGCAGCCTTCACCTTCTATCCCAAGC[C>T]TCAGATCTGGAGTCTCCACCACCCACCCACCCCCAGCCGCAACCCTGGAGCCCACACCCC-3'

ClinVar aggregate classification (germline): Likely benign (1 of 4 stars; one submission).

Allele frequency attached by ClinVar (database versions not stated): 1000 Genomes Project 30x 0.01608; 1000 Genomes Project 0.01637; gnomAD 0.01696 and 0.01821; TOPMed 0.01750.
gnomAD v4.1: 2,550 of 152,040 alleles (1.7%); highest among the groups gnomAD compares: African/African-American, 4.7%; 46 homozygotes.

Submission:

GeneDx
Classification: Likely benign. Last evaluated: 2018-06-19. Review status: criteria provided, single submitter. Criteria: GeneDx Variant Classification (06012015). Collection method: clinical testing. Allele origin: germline. Affected: yes.
Comment: This variant is considered likely benign or benign based on one or more of the following criteria: it is a conservative change, it occurs at a poorly conserved position in the protein, it is predicted to be benign by multiple in silico algorithms, and/or has population frequency not consistent with disease.